The following is an entry in ClinVar:

ClinVar aggregate classification (germline): Pathogenic (1 of 4 stars; one submission).

Conditions:
Congenital myasthenic syndrome 12 (CMS12). Also called: Myasthenia, congenital, 12, with tubular aggregates; MYASTHENIC SYNDROME, CONGENITAL, WITH TUBULAR AGGREGATES 1. Identifiers: Orphanet 353327, Orphanet 590, MedGen C3552335, MONDO:0012518, OMIM 610542.

Submission:

Labcorp Genetics (formerly Invitae), Labcorp
Classification: Pathogenic for Congenital myasthenic syndrome 12. Last evaluated: 2021-12-01. Review status: criteria provided, single submitter. Criteria: Invitae Variant Classification Sherloc (09022015). Collection method: clinical testing. Allele origin: germline.
Comment: For these reasons, this variant has been classified as Pathogenic. This variant has not been reported in the literature in individuals affected with GFPT1-related conditions. This variant is not present in population databases (gnomAD no frequency). This sequence change creates a premature translational stop signal (p.Ser257Valfs*28) in the GFPT1 gene. It is expected to result in an absent or disrupted protein product. Loss-of-function variants in GFPT1 are known to be pathogenic (PMID: 23794683).

Literature cited by the submitters: PubMed 23794683.

NM_001244710.2(GFPT1):c.769_772del (p.Ser257fs)

Gene: GFPT1 (glutamine--fructose-6-phosphate transaminase 1; minus strand). Cytogenetic location: 2p13.3.
Variant type: Microsatellite.
Coding change: c.769_772del on transcript NM_001244710.2 (MANE Select); coding-DNA positions 769 to 772, 4 bases deleted (TCTC; older notation c.769_772delTCTC).
Protein change: p.Ser257fs; shifts the reading frame from serine 257.
Molecular consequence: frameshift variant.
Genome position (GRCh38, 1-based): chr2:69,350,151-69,350,154, GAGA deleted on the plus strand (TCTC on the coding strand, the reverse complement: GFPT1 is on the minus strand); deleting any 4 consecutive bases within chr2:69,350,151-69,350,158 gives the same sequence; the c. name uses the placement nearest the transcript's 3' end. VCF-style (leftmost placement, unchanged base first): chr2-69350150-CGAGA-C. GRCh37 (hg19) VCF-style: chr2-69577282-CGAGA-C.
Other names: c.715_718del, p.Ser239fs (NM_002056.4); short protein forms S239fs, S257fs.
Identifiers: ClinVar variation 1455957 (VCV001455957.6), dbSNP rs2104639109, ClinGen allele CA2580611645.